The following is an entry in ClinVar:

NM_002900.3(RBP3):c.2416C>G (p.Arg806Gly)

Gene: RBP3 (retinol binding protein 3; plus strand). Cytogenetic location: 10q11.22.
Variant type: single nucleotide variant.
Coding change: c.2416C>G on transcript NM_002900.3 (MANE Select); coding-DNA position 2416, C replaced by G.
Protein change: p.Arg806Gly; replaces arginine 806 with glycine.
Molecular consequence: missense variant.
Genome position (GRCh38, 1-based): chr10:47,350,900, C>G. VCF-style: chr10-47350900-C-G. GRCh37 (hg19) VCF-style: chr10-48388462-G-C.
Other names: short protein forms R806G.
Identifiers: ClinVar variation 1462858 (VCV001462858.3), dbSNP rs35238500, ClinGen allele CA376673125.

ClinVar aggregate classification (germline): Uncertain significance (1 of 4 stars; one submission).

Submission:

Labcorp Genetics (formerly Invitae), Labcorp
Classification: Uncertain significance. Last evaluated: 2022-10-04. Review status: criteria provided, single submitter. Criteria: Invitae Variant Classification Sherloc (09022015). Collection method: clinical testing. Allele origin: germline.
Comment: This sequence change replaces arginine, which is basic and polar, with glycine, which is neutral and non-polar, at codon 806 of the RBP3 protein (p.Arg806Gly). This variant is not present in population databases (gnomAD no frequency). This variant has not been reported in the literature in individuals affected with RBP3-related conditions. ClinVar contains an entry for this variant (Variation ID: 1462858). Algorithms developed to predict the effect of missense changes on protein structure and function are either unavailable or do not agree on the potential impact of this missense change (SIFT: "Deleterious"; PolyPhen-2: "Possibly Damaging"; Align-GVGD: "Class C0"). In summary, the available evidence is currently insufficient to determine the role of this variant in disease. Therefore, it has been classified as a Variant of Uncertain Significance.